The following is an entry in ClinVar:

NM_001267550.2(TTN):c.62679C>T (p.Gly20893=)

Genes: TTN-AS1 (TTN antisense RNA 1; plus strand), TTN (titin; minus strand). Cytogenetic location: 2q31.2.
Variant type: single nucleotide variant.
Coding change: c.62679C>T on transcript NM_001267550.2 (MANE Select); coding-DNA position 62679, C replaced by T.
Protein change: p.Gly20893=; no amino-acid change (glycine 20893 retained).
Molecular consequence: synonymous variant.
Genome position (GRCh38, 1-based): chr2:178,589,046, G>A on the plus strand (C>T on the coding strand, the complement: TTN is on the minus strand). VCF-style: chr2-178589046-G-A. GRCh37 (hg19) VCF-style: chr2-179453773-G-A.
Other names: c.57756C>T, p.Gly19252= (NM_001256850.1); c.35484C>T, p.Gly11828= (NM_003319.4); c.54975C>T, p.Gly18325= (NM_133378.4); c.35859C>T, p.Gly11953= (NM_133432.3); c.36060C>T, p.Gly12020= (NM_133437.4).
Identifiers: ClinVar variation 437093 (VCV000437093.22), dbSNP rs188059075, ClinGen allele CA1992193.

ClinVar aggregate classification (germline): Conflicting classifications of pathogenicity. Review status: criteria provided, conflicting classifications (1 of 4 stars). 9 submissions from 5 submitters: Uncertain significance (3); Benign (2); Likely benign (4). Last evaluated 2025-09-15.

Conditions:
Cardiovascular phenotype. Identifiers: MedGen CN230736.
Dilated cardiomyopathy 1G (CMD1G). Identifiers: Orphanet 154, MedGen C1858763, MONDO:0011400, OMIM 604145.
Autosomal recessive limb-girdle muscular dystrophy type 2J (LGMDR10). Also called: Limb-girdle muscular dystrophy, type 2J; MUSCULAR DYSTROPHY, LIMB-GIRDLE, AUTOSOMAL RECESSIVE 10. Identifiers: Orphanet 140922, MedGen C1837342, MONDO:0012127, OMIM 608807.
Myopathy, myofibrillar, 9, with early respiratory failure (MFM9). Also called: Myopathy, distal, with early respiratory failure, autosomal dominant; Hereditary myopathy with early respiratory failure; EDSTROM MYOPATHY; MYOPATHY, PROXIMAL, WITH EARLY RESPIRATORY MUSCLE INVOLVEMENT. Identifiers: Orphanet 178464, Orphanet 34521, MedGen C1863599, MONDO:0011362, OMIM 603689.
Early-onset myopathy with fatal cardiomyopathy (CMYO5). Also called: Salih Myopathy; CONGENITAL MYOPATHY 5 WITH CARDIOMYOPATHY. Identifiers: Orphanet 289377, MedGen C2673677, MONDO:0012714, OMIM 611705. Disease mechanism: loss of function.
Tibial muscular dystrophy (TMD). Also called: Udd Distal Myopathy – Tibial Muscular Dystrophy; UDD MYOPATHY; Tibial muscular dystrophy, tardive. Identifiers: Orphanet 609, MedGen C1838244, MONDO:0010870, OMIM 600334.

Allele frequency attached by ClinVar (database versions not stated): ExAC 0.00002; gnomAD exomes 0.00002; TOPMed 0.00002; gnomAD 0.00006; 1000 Genomes Project 30x 0.00016; 1000 Genomes Project 0.00020.
gnomAD v4.1: 34 of 1,609,320 alleles (0.0021%); highest among the groups gnomAD compares: Middle Eastern, 0.033%; no homozygotes.

Submissions (9):

Labcorp Genetics (formerly Invitae), Labcorp
Classification: Likely benign for Dilated cardiomyopathy 1G; Autosomal recessive limb-girdle muscular dystrophy type 2J. Last evaluated: 2025-09-15. Review status: criteria provided, single submitter. Criteria: Invitae Variant Classification Sherloc (09022015). Collection method: clinical testing. Allele origin: germline.

Blueprint Genetics
Classification: Likely benign. Last evaluated: 2024-08-22. Review status: criteria provided, single submitter. Criteria: ACMG Guidelines, 2015. Collection method: clinical testing. Allele origin: germline.

Ambry Genetics
Classification: Likely benign for Cardiovascular phenotype. Last evaluated: 2022-01-27. Review status: criteria provided, single submitter. Criteria: Ambry Variant Classification Scheme 2023. Collection method: clinical testing. Allele origin: germline.

Illumina Laboratory Services, Illumina
Classification: Uncertain significance for Autosomal recessive limb-girdle muscular dystrophy type 2J. Last evaluated: 2018-01-13. Review status: criteria provided, single submitter. Criteria: ICSL Variant Classification Criteria 13 December 2019. Collection method: clinical testing. Allele origin: germline.

Illumina Laboratory Services, Illumina
Classification: Uncertain significance for Early-onset myopathy with fatal cardiomyopathy. Last evaluated: 2018-01-13. Review status: criteria provided, single submitter. Criteria: ICSL Variant Classification Criteria 13 December 2019. Collection method: clinical testing. Allele origin: germline.

Illumina Laboratory Services, Illumina
Classification: Uncertain significance for Dilated cardiomyopathy 1G. Last evaluated: 2018-01-13. Review status: criteria provided, single submitter. Criteria: ICSL Variant Classification Criteria 13 December 2019. Collection method: clinical testing. Allele origin: germline.

Illumina Laboratory Services, Illumina
Classification: Benign for Myopathy, myofibrillar, 9, with early respiratory failure. Last evaluated: 2018-01-13. Review status: criteria provided, single submitter. Criteria: ICSL Variant Classification Criteria 13 December 2019. Collection method: clinical testing. Allele origin: germline.
Comment: This variant was observed in the ICSL laboratory as part of a predisposition screen in an ostensibly healthy population. It had not been previously curated by ICSL or reported in the Human Gene Mutation Database (HGMD: prior to June 1st, 2018), and was therefore a candidate for classification through an automated scoring system. Utilizing variant allele frequency, disease prevalence and penetrance estimates, and inheritance mode, an automated score was calculated to assess if this variant is too frequent to cause the disease. Based on the score and internal cut-off values, a variant classified as benign is not then subjected to further curation. The score for this variant resulted in a classification of benign for this disease.

Illumina Laboratory Services, Illumina
Classification: Benign for Tibial muscular dystrophy. Last evaluated: 2018-01-13. Review status: criteria provided, single submitter. Criteria: ICSL Variant Classification Criteria 13 December 2019. Collection method: clinical testing. Allele origin: germline.
Comment: the same text as in the submission from Illumina Laboratory Services, Illumina above.

Genetic Services Laboratory, University of Chicago
Classification: Likely benign. Last evaluated: 2015-11-13. Review status: criteria provided, single submitter. Criteria: ACMG Guidelines, 2015. Collection method: clinical testing. Allele origin: germline. Affected: no.